The following is an entry in ClinVar:

ClinVar aggregate classification (germline): Likely pathogenic (1 of 4 stars; one submission).

Conditions:
Long chain 3-hydroxyacyl-CoA dehydrogenase deficiency. Also called: LCHAD Deficiency; Deficiency of long-chain 3-hydroxyacyl-coenzyme A dehydrogenase. Identifiers: Orphanet 5, MedGen C3711645, MONDO:0012173, OMIM 609016.

Submission:

Myriad Genetics, Inc.
Classification: Likely pathogenic for Long chain 3-hydroxyacyl-CoA dehydrogenase deficiency. Last evaluated: 2022-02-25. Review status: criteria provided, single submitter. Criteria: Myriad Autosomal Dominant, Autosomal Recessive and X-Linked Classification Criteria (2023). Collection method: clinical testing. Allele origin: unknown.
Comment: NM_000182.4(HADHA):c.1891A>T(K631*) is expected to be pathogenic in the context of HADHA-related disorders. This variant is predicted to lead to an abnormal or absent protein product due to the creation of a premature termination codon in HADHA, a gene where loss-of-function variants are known to be pathogenic. Please note: this variant was assessed in the context of healthy population screening.

NM_000182.5(HADHA):c.1891A>T (p.Lys631Ter)

Genes: GAREM2 (GRB2 associated regulator of MAPK1 subtype 2; plus strand), HADHA (hydroxyacyl-CoA dehydrogenase trifunctional multienzyme complex subunit alpha; minus strand). Cytogenetic location: 2p23.3.
Variant type: single nucleotide variant.
Coding change: c.1891A>T on transcript NM_000182.5 (MANE Select); coding-DNA position 1891, A replaced by T.
Protein change: p.Lys631Ter; replaces lysine 631 with a stop codon.
Molecular consequence: nonsense.
Genome position (GRCh38, 1-based): chr2:26,192,419, T>A on the plus strand (A>T on the coding strand, the complement: HADHA is on the minus strand). VCF-style: chr2-26192419-T-A. GRCh37 (hg19) VCF-style: chr2-26415288-T-A.
Other names: short protein forms K631*.
Identifiers: ClinVar variation 1726289 (VCV001726289.3), dbSNP rs2465508731, ClinGen allele CA346115649.
Genomic context (GRCh38, chr2:26,192,419, plus strand): 5'-CAGAATTCAAATCCTTCCTCTTCACACCCTCCTGATAGATGTAAAAGCCCTTCCCAGATT[T>A]ACGACCTAAAACAGGCAAGAAAAGGGAGTGTTACTATTTGTTCTCAGGGAGGGAGTGTTA-3'